The following is an entry in ClinVar:

NM_001134831.2(AHI1):c.392dup (p.Thr132fs)

Gene: AHI1 (Abelson helper integration site 1; minus strand). Cytogenetic location: 6q23.3.
Variant type: Duplication.
Coding change: c.392dup on transcript NM_001134831.2 (MANE Select); coding-DNA position 392, one base duplicated (A; older notation c.392dupA).
Protein change: p.Thr132fs; shifts the reading frame from threonine 132.
Molecular consequence: frameshift variant.
Genome position (GRCh38, 1-based): chr6:135,466,171, T duplicated on the plus strand (A on the coding strand, the reverse complement: AHI1 is on the minus strand); the first of 3 consecutive T bases (chr6:135,466,171-135,466,173); duplicating any one gives the same sequence. VCF-style (leftmost placement, unchanged base first): chr6-135466170-C-CT. GRCh37 (hg19) VCF-style: chr6-135787308-C-CT.
Other names: c.392dup, p.Thr132fs (NM_001134830.2, NM_001134832.2, NM_001350503.2 and 2 more transcripts); short protein forms T132fs.
Identifiers: ClinVar variation 2858265 (VCV002858265.3), dbSNP rs2485019671, ClinGen allele CA2739266167.

ClinVar aggregate classification (germline): Pathogenic (1 of 4 stars; one submission).

Conditions:
Joubert syndrome. Also called: CEREBELLOPARENCHYMAL DISORDER IV; JOUBERT-BOLTSHAUSER SYNDROME; Familial aplasia of the vermis. Identifiers: Orphanet 475, MedGen C5979921, MONDO:0018772.

Submission:

Labcorp Genetics (formerly Invitae), Labcorp
Classification: Pathogenic for Joubert syndrome. Last evaluated: 2023-04-22. Review status: criteria provided, single submitter. Criteria: Invitae Variant Classification Sherloc (09022015). Collection method: clinical testing. Allele origin: germline.
Comment: This variant is not present in population databases (gnomAD no frequency). This sequence change creates a premature translational stop signal (p.Thr132Aspfs*16) in the AHI1 gene. It is expected to result in an absent or disrupted protein product. Loss-of-function variants in AHI1 are known to be pathogenic (PMID: 15322546, 16453322, 28442542, 29186038). This variant has not been reported in the literature in individuals affected with AHI1-related conditions. For these reasons, this variant has been classified as Pathogenic.

Literature cited by the submitters: PubMed 15322546; PubMed 16453322; PubMed 28442542; PubMed 29186038.